The following is an entry in ClinVar:

NM_001164508.2(NEB):c.1211C>T (p.Thr404Ile)

Gene: NEB (nebulin; minus strand). Cytogenetic location: 2q23.3.
Variant type: single nucleotide variant.
Coding change: c.1211C>T on transcript NM_001164508.2 (MANE Select); coding-DNA position 1211, C replaced by T.
Protein change: p.Thr404Ile; replaces threonine 404 with isoleucine.
Molecular consequence: missense variant.
Genome position (GRCh38, 1-based): chr2:151,697,590, G>A on the plus strand (C>T on the coding strand, the complement: NEB is on the minus strand). VCF-style: chr2-151697590-G-A. GRCh37 (hg19) VCF-style: chr2-152554104-G-A.
Other names: c.1211C>T, p.Thr404Ile (NM_001164507.2, NM_001271208.2, NM_004543.5); short protein forms T404I.
Identifiers: ClinVar variation 167342 (VCV000167342.27), dbSNP rs200585609, ClinGen allele CA234348.

ClinVar aggregate classification (germline): Conflicting classifications of pathogenicity. Review status: criteria provided, conflicting classifications (1 of 4 stars). 7 submissions from 7 submitters: Uncertain significance (5); Benign (1). 1 of the submissions does not count toward it. Last evaluated 2026-01-31.

Conditions:
Inborn genetic diseases. Identifiers: MedGen C0950123, MeSH D030342.
Nemaline myopathy 2 (NEM2). Also called: Nemaline myopathy 2, autosomal recessive. Identifiers: MedGen C1850569, MONDO:0009725, OMIM 256030.

Allele frequency attached by ClinVar (database versions not stated): ExAC 0.00007; ESP Exome Variant Server 0.00008; gnomAD 0.00011; TOPMed 0.00014; gnomAD exomes 0.00016; 1000 Genomes Project 0.00040; 1000 Genomes Project 30x 0.00047.
gnomAD v4.1: 133 of 1,613,024 alleles (0.0082%); highest among the groups gnomAD compares: Admixed American, 0.077%; no homozygotes.

Submissions (7):

Labcorp Genetics (formerly Invitae), Labcorp
Classification: Benign for Nemaline myopathy 2. Last evaluated: 2026-01-31. Review status: criteria provided, single submitter. Criteria: Invitae Variant Classification Sherloc (09022015). Collection method: clinical testing. Allele origin: germline.

CeGaT Center for Human Genetics Tuebingen
Classification: Uncertain significance. Last evaluated: 2025-10-01. Review status: criteria provided, single submitter. Criteria: CeGaT Center For Human Genetics Tuebingen Variant Classification Criteria Version 2. Collection method: clinical testing. Allele origin: germline. Affected: yes. Observed: 1 variant allele.
Comment: NEB: PM2

Ambry Genetics
Classification: Uncertain significance for Inborn genetic diseases. Last evaluated: 2024-05-30. Review status: criteria provided, single submitter. Criteria: Ambry Variant Classification Scheme 2023. Collection method: clinical testing. Allele origin: germline.

Revvity Omics, Revvity
Classification: Uncertain significance. Last evaluated: 2021-02-12. Review status: criteria provided, single submitter. Criteria: ACMG Guidelines, 2015. Collection method: clinical testing. Allele origin: germline.

Illumina Laboratory Services, Illumina
Classification: Uncertain significance for Nemaline myopathy 2. Last evaluated: 2018-02-16. Review status: criteria provided, single submitter. Criteria: ICSL Variant Classification Criteria 13 December 2019. Collection method: clinical testing. Allele origin: germline.

Eurofins Ntd Llc (ga)
Classification: Uncertain significance. Last evaluated: 2014-05-05. Review status: criteria provided, single submitter. Criteria: EGL Classification Definitions 2015. Collection method: clinical testing. Allele origin: germline. Observed: 1 variant allele, 1 heterozygote.

Natera, Inc.
Classification: Uncertain significance for Nemaline myopathy type 2. Last evaluated: 2020-01-24. Review status: no assertion criteria provided. Collection method: clinical testing. Allele origin: germline. Not counted in ClinVar's aggregate classification.